The following is an entry in ClinVar:

NM_020549.5(CHAT):c.1643G>A (p.Arg548Gln)

Gene: CHAT (choline O-acetyltransferase; plus strand). Cytogenetic location: 10q11.23.
Variant type: single nucleotide variant.
Coding change: c.1643G>A on transcript NM_020549.5 (MANE Select); coding-DNA position 1643, G replaced by A.
Protein change: p.Arg548Gln; replaces arginine 548 with glutamine.
Molecular consequence: missense variant.
Genome position (GRCh38, 1-based): chr10:49,655,103, G>A. VCF-style: chr10-49655103-G-A. GRCh37 (hg19) VCF-style: chr10-50863149-G-A.
Other names: c.1289G>A, p.Arg430Gln (NM_001142929.2, NM_001142934.2, NM_020984.4 and 2 more transcripts); c.1397G>A, p.Arg466Gln (NM_001142933.2); c.1643G>A (NM_020549.4); short protein forms R430Q, R466Q, R548Q.
Identifiers: ClinVar variation 1398103 (VCV001398103.12), dbSNP rs141881680, ClinGen allele CA5497582.

ClinVar aggregate classification (germline): Uncertain significance. Review status: criteria provided, multiple submitters, no conflicts (2 of 4 stars). 3 submissions from 3 submitters: Uncertain significance (3). Last evaluated 2025-08-31.

Conditions:
Familial infantile myasthenia (CMS6). Also called: Congenital myasthenic syndrome type 6; MYASTHENIC SYNDROME, PRESYNAPTIC, CONGENITAL, ASSOCIATED WITH EPISODIC APNEA; MYASTHENIC SYNDROME, CONGENITAL, 6, PRESYNAPTIC. Identifiers: Orphanet 590, MedGen C0393929, MONDO:0009689, OMIM 254210.
Inborn genetic diseases. Identifiers: MedGen C0950123, MeSH D030342.

Allele frequency attached by ClinVar (database versions not stated): gnomAD 0.00001 and 0.00003; ExAC 0.00002; gnomAD exomes 0.00003; TOPMed 0.00003; ESP Exome Variant Server 0.00008.
gnomAD v4.1: 41 of 1,614,002 alleles (0.0025%); highest among the groups gnomAD compares: Non-Finnish European, 0.0028%; no homozygotes.

Submissions (3):

Ambry Genetics
Classification: Uncertain significance for Inborn genetic diseases. Last evaluated: 2025-08-31. Review status: criteria provided, single submitter. Criteria: Ambry Variant Classification Scheme 2023. Collection method: clinical testing. Allele origin: germline.

Labcorp Genetics (formerly Invitae), Labcorp
Classification: Uncertain significance for Familial infantile myasthenia. Last evaluated: 2022-07-24. Review status: criteria provided, single submitter. Criteria: Invitae Variant Classification Sherloc (09022015). Collection method: clinical testing. Allele origin: germline.
Comment: This sequence change replaces arginine, which is basic and polar, with glutamine, which is neutral and polar, at codon 548 of the CHAT protein (p.Arg548Gln). This variant is present in population databases (rs141881680, gnomAD 0.01%). This variant has not been reported in the literature in individuals affected with CHAT-related conditions. ClinVar contains an entry for this variant (Variation ID: 1398103). Advanced modeling of protein sequence and biophysical properties (such as structural, functional, and spatial information, amino acid conservation, physicochemical variation, residue mobility, and thermodynamic stability) performed at Invitae indicates that this missense variant is not expected to disrupt CHAT protein function. In summary, the available evidence is currently insufficient to determine the role of this variant in disease. Therefore, it has been classified as a Variant of Uncertain Significance.

Revvity Omics, Revvity
Classification: Uncertain significance for Familial infantile myasthenia. Last evaluated: 2019-04-17. Review status: criteria provided, single submitter. Criteria: ACMG Guidelines, 2015. Collection method: clinical testing. Allele origin: germline.